The following is an entry in ClinVar:

ClinVar aggregate classification (germline): Likely benign (1 of 4 stars; one submission).

Conditions:
SCP2-related disorder. Also called: SCP2-related condition.

gnomAD v4.1: 2 of 1,610,928 alleles (0.00012%); highest among the groups gnomAD compares: African/African-American, 0.0027%; no homozygotes.

Submission:

PreventionGenetics, part of Exact Sciences
Classification: Likely benign for SCP2-related condition. Last evaluated: 2026-04-10. Review status: criteria provided, single submitter. Criteria: ACMG Guidelines, 2015. Collection method: clinical testing. Allele origin: germline.
Comment: This variant is classified as likely benign based on ACMG/AMP sequence variant interpretation guidelines (Richards et al. 2015 PMID: 25741868, with internal and published modifications).

NM_002979.5(SCP2):c.1299A>C (p.Ala433=)

Gene: SCP2 (sterol carrier protein 2; plus strand). Cytogenetic location: 1p32.3.
Variant type: single nucleotide variant.
Coding change: c.1299A>C on transcript NM_002979.5 (MANE Select); coding-DNA position 1299, A replaced by C.
Protein change: p.Ala433=; no amino-acid change (alanine 433 retained).
Molecular consequence: synonymous variant.
Genome position (GRCh38, 1-based): chr1:53,028,032, A>C. VCF-style: chr1-53028032-A-C. GRCh37 (hg19) VCF-style: chr1-53493704-A-C.
Other names: c.87A>C, p.Ala29= (NM_001007099.3, NM_001007250.3); c.78A>C, p.Ala26= (NM_001007100.3); c.1227A>C, p.Ala409= (NM_001193599.2); c.1167A>C, p.Ala389= (NM_001193600.2); c.1056A>C, p.Ala352= (NM_001193617.2).
Identifiers: ClinVar variation 4985248 (VCV004985248.1).